The following is an entry in ClinVar:

ClinVar aggregate classification (germline): Likely pathogenic (1 of 4 stars; one submission).

Conditions:
TCOF1-related disorder. Also called: TCOF1-related condition.

Submission:

PreventionGenetics, part of Exact Sciences
Classification: Likely pathogenic for TCOF1-related condition. Last evaluated: 2024-10-28. Review status: criteria provided, single submitter. Criteria: ACMG Guidelines, 2015. Collection method: clinical testing. Allele origin: germline.
Comment: The TCOF1 c.4198A>T variant is predicted to result in premature protein termination (p.Lys1400*). To our knowledge, this variant has not been reported in the literature or in a large population database (gnomAD), indicating this variant is rare. Nonsense variants in TCOF1 are expected to be pathogenic. This variant is interpreted as likely pathogenic.

NM_001371623.1(TCOF1):c.4201A>T (p.Lys1401Ter)

Gene: TCOF1 (treacle ribosome biogenesis factor 1; plus strand). Cytogenetic location: 5q32.
Variant type: single nucleotide variant.
Coding change: c.4201A>T on transcript NM_001371623.1 (MANE Select); coding-DNA position 4201, A replaced by T.
Protein change: p.Lys1401Ter; replaces lysine 1401 with a stop codon.
Molecular consequence: nonsense.
Genome position (GRCh38, 1-based): chr5:150,396,698, A>T. VCF-style: chr5-150396698-A-T. GRCh37 (hg19) VCF-style: chr5-149776261-A-T.
Other names: c.3967A>T, p.Lys1323Ter (NM_000356.4, NM_001437406.1); c.4198A>T, p.Lys1400Ter (NM_001135243.2); c.4087A>T, p.Lys1363Ter (NM_001135244.2); c.3970A>T, p.Lys1324Ter (NM_001135245.2); c.4084A>T, p.Lys1362Ter (NM_001195141.2); short protein forms K1362*, K1323*, K1400*, K1324*, K1363*, K1401*.
Identifiers: ClinVar variation 4999484 (VCV004999484.1).